The following is an entry in ClinVar:

ClinVar aggregate classification (germline): Uncertain significance (1 of 4 stars; one submission).

Conditions:
Susceptibility to respiratory infections associated with CD8alpha chain mutation (IMD116). Also called: Cd8 deficiency, familial; IMMUNODEFICIENCY 116. Identifiers: Orphanet 169085, MedGen C1837065, MONDO:0012161, OMIM 608957.

Allele frequency attached by ClinVar (database versions not stated): ESP Exome Variant Server 0.00031; TOPMed 0.00006.
gnomAD v4.1: 143 of 1,612,478 alleles (0.0089%); highest among the groups gnomAD compares: Non-Finnish European, 0.011%; no homozygotes.

Submission:

Labcorp Genetics (formerly Invitae), Labcorp
Classification: Uncertain significance for Susceptibility to respiratory infections associated with CD8alpha chain mutation. Last evaluated: 2021-08-26. Review status: criteria provided, single submitter. Criteria: Invitae Variant Classification Sherloc (09022015). Collection method: clinical testing. Allele origin: germline.
Comment: This sequence change replaces arginine with leucine at codon 219 of the CD8A protein (p.Arg219Leu). The arginine residue is highly conserved and there is a moderate physicochemical difference between arginine and leucine. This variant also falls at the last nucleotide of exon 5, which is part of the consensus splice site for this exon. This variant is present in population databases (rs138963205, ExAC 0.008%). This variant has not been reported in the literature in individuals affected with CD8A-related conditions. Algorithms developed to predict the effect of missense changes on protein structure and function (SIFT, PolyPhen-2, Align-GVGD) all suggest that this variant is likely to be disruptive. Variants that disrupt the consensus splice site are a relatively common cause of aberrant splicing (PMID: 17576681, 9536098). Algorithms developed to predict the effect of sequence changes on RNA splicing suggest that this variant may disrupt the consensus splice site. In summary, the available evidence is currently insufficient to determine the role of this variant in disease. Therefore, it has been classified as a Variant of Uncertain Significance.

Literature cited by the submitters: PubMed 17576681; PubMed 9536098.

NM_001768.7(CD8A):c.656G>T (p.Arg219Leu)

Genes: CD8A (CD8 subunit alpha; minus strand), LOC106699567 (CD8A intronic regulatory region; plus strand). Cytogenetic location: 2p11.2.
Variant type: single nucleotide variant.
Coding change: c.656G>T on transcript NM_001768.7 (MANE Select); coding-DNA position 656, G replaced by T.
Protein change: p.Arg219Leu; replaces arginine 219 with leucine.
Molecular consequence: missense variant. On other transcripts: non-coding transcript variant (4).
Genome position (GRCh38, 1-based): chr2:86,788,530, C>A on the plus strand (G>T on the coding strand, the complement: CD8A is on the minus strand). VCF-style: chr2-86788530-C-A. GRCh37 (hg19) VCF-style: chr2-87015653-C-A.
Other names: c.545G>T, p.Arg182Leu (NM_171827.4); c.656G>T, p.Arg219Leu (NM_001145873.1, NM_001382698.1); short protein forms R219L, R182L.
Identifiers: ClinVar variation 936219 (VCV000936219.7), dbSNP rs138963205, ClinGen allele CA1751101.